The following is an entry in ClinVar:

ClinVar aggregate classification (germline): Likely benign. Review status: criteria provided, multiple submitters, no conflicts (2 of 4 stars). 2 submissions from 2 submitters: Likely benign (2). Last evaluated 2025-06-03.

Conditions:
MAST2-related condition.

gnomAD v4.1: 42 of 1,614,076 alleles (0.0026%); highest among the groups gnomAD compares: East Asian, 0.018%; no homozygotes.

Submissions (2):

PreventionGenetics, part of Exact Sciences
Classification: Likely benign for MAST2-related condition. Last evaluated: 2025-06-03. Review status: criteria provided, single submitter. Criteria: ACMG Guidelines, 2015. Collection method: clinical testing. Allele origin: germline.
Comment: This variant is classified as likely benign based on ACMG/AMP sequence variant interpretation guidelines (Richards et al. 2015 PMID: 25741868, with internal and published modifications).

Ambry Genetics
Classification: Likely benign. Last evaluated: 2024-09-25. Review status: criteria provided, single submitter. Criteria: Ambry Variant Classification Scheme 2023. Collection method: clinical testing. Allele origin: germline.

NM_015112.3(MAST2):c.4182G>A (p.Ala1394=)

Gene: MAST2 (microtubule associated serine/threonine kinase 2; plus strand). Cytogenetic location: 1p34.1.
Variant type: single nucleotide variant.
Coding change: c.4182G>A on transcript NM_015112.3 (MANE Select); coding-DNA position 4182, G replaced by A.
Protein change: p.Ala1394=; no amino-acid change (alanine 1394 retained).
Molecular consequence: synonymous variant.
Genome position (GRCh38, 1-based): chr1:46,034,851, G>A. VCF-style: chr1-46034851-G-A. GRCh37 (hg19) VCF-style: chr1-46500523-G-A.
Other names: c.4179G>A, p.Ala1393= (NM_001319245.2); c.4203G>A, p.Ala1401= (NM_001324320.2); c.3720G>A, p.Ala1240= (NM_001324321.2); c.4203G>A (NM_001324320.1).
Identifiers: ClinVar variation 3543502 (VCV003543502.2).